The following is an entry in ClinVar:

NM_001367561.1(DOCK7):c.5062T>C (p.Leu1688=)

Gene: DOCK7 (dedicator of cytokinesis 7; minus strand). Cytogenetic location: 1p31.3.
Variant type: single nucleotide variant.
Coding change: c.5062T>C on transcript NM_001367561.1 (MANE Select); coding-DNA position 5062, T replaced by C.
Protein change: p.Leu1688=; no amino-acid change (leucine 1688 retained).
Molecular consequence: synonymous variant.
Genome position (GRCh38, 1-based): chr1:62,494,430, A>G on the plus strand (T>C on the coding strand, the complement: DOCK7 is on the minus strand). VCF-style: chr1-62494430-A-G. GRCh37 (hg19) VCF-style: chr1-62960101-A-G.
Other names: p.Leu1679=; c.5035T>C, p.Leu1679= (NM_001271999.2, NM_001330614.2); c.4942T>C, p.Leu1648= (NM_001272000.2, NM_001272001.2); c.4969T>C, p.Leu1657= (NM_033407.4).
Identifiers: ClinVar variation 585797 (VCV000585797.18), dbSNP rs10889335, ClinGen allele CA885548.

ClinVar aggregate classification (germline): Benign/Likely benign. Review status: criteria provided, multiple submitters, no conflicts (2 of 4 stars). 8 submissions from 8 submitters: Benign (7); Likely benign (1). Last evaluated 2026-02-04.

Conditions:
Developmental and epileptic encephalopathy, 23 (DEE23). Also called: Epileptic encephalopathy, early infantile, 23. Identifiers: Orphanet 411986, MedGen C4014492, MONDO:0014371, OMIM 615859.

Allele frequency attached by ClinVar (database versions not stated): gnomAD exomes 0.34349 and 0.34949; ExAC 0.34686; gnomAD 0.34711 and 0.34717; 1000 Genomes Project 0.34964; TOPMed 0.35202; ESP Exome Variant Server 0.35338; 1000 Genomes Project 30x 0.35431.
gnomAD v4.1: 562,171 of 1,611,696 alleles (35%); highest among the groups gnomAD compares: South Asian, 46%; 100,413 homozygotes.

Submissions (8):

Labcorp Genetics (formerly Invitae), Labcorp
Classification: Benign for Developmental and epileptic encephalopathy, 23. Last evaluated: 2026-02-04. Review status: criteria provided, single submitter. Criteria: Invitae Variant Classification Sherloc (09022015). Collection method: clinical testing. Allele origin: germline.

Blueprint Genetics
Classification: Likely benign. Last evaluated: 2024-11-26. Review status: criteria provided, single submitter. Criteria: ACMG Guidelines, 2015. Collection method: clinical testing. Allele origin: germline.

Unidad de Genómica Garrahan, Hospital de Pediatría Garrahan
Classification: Benign. Last evaluated: 2024-07-15. Review status: criteria provided, single submitter. Criteria: ACMG Guidelines, 2015. Collection method: clinical testing. Allele origin: germline. Affected: no. Observed: 54 variant alleles.
Comment: This variant is classified as Benign based on local population frequency. This variant was detected in 58% of patients studied in a panel designed for Epileptic and Developmental Encephalopathy and Progressive Myoclonus Epilepsy. Number of patients: 54. Only high quality variants are reported.

Genome-Nilou Lab
Classification: Benign for Developmental and epileptic encephalopathy, 23. Last evaluated: 2023-04-11. Review status: criteria provided, single submitter. Criteria: ACMG Guidelines, 2015. Collection method: clinical testing. Allele origin: germline. Affected: no.

GeneDx
Classification: Benign. Last evaluated: 2021-03-14. Review status: criteria provided, single submitter. Criteria: GeneDx Variant Classification Process June 2021. Collection method: clinical testing. Allele origin: germline. Affected: yes.

Mayo Clinic Laboratories, Mayo Clinic
Classification: Benign. Last evaluated: 2018-04-02. Review status: criteria provided, single submitter. Criteria: ACMG Guidelines, 2015. Collection method: clinical testing. Allele origin: germline. Observed: 314 variant alleles.

Athena Diagnostics
Classification: Benign. Last evaluated: 2017-04-20. Review status: criteria provided, single submitter. Criteria: Athena Diagnostics Criteria. Collection method: clinical testing. Allele origin: germline.

Breakthrough Genomics
Classification: Benign. Review status: criteria provided, single submitter. Criteria: ACMG Guidelines, 2015. Collection method: not provided. Allele origin: germline. Inheritance: Autosomal recessive inheritance. Affected: yes.